The following is an entry in ClinVar:

NM_054027.6(ANKH):c.745G>A (p.Ala249Thr)

Gene: ANKH (ANKH inorganic pyrophosphate transport regulator; minus strand). Cytogenetic location: 5p15.2.
Variant type: single nucleotide variant.
Coding change: c.745G>A on transcript NM_054027.6 (MANE Select); coding-DNA position 745, G replaced by A.
Protein change: p.Ala249Thr; replaces alanine 249 with threonine.
Molecular consequence: missense variant.
Genome position (GRCh38, 1-based): chr5:14,749,249, C>T on the plus strand (G>A on the coding strand, the complement: ANKH is on the minus strand). VCF-style: chr5-14749249-C-T. GRCh37 (hg19) VCF-style: chr5-14749358-C-T.
Other names: short protein forms A249T.
Identifiers: ClinVar variation 2768837 (VCV002768837.3), dbSNP rs2477382875, ClinGen allele CA359247355.
Genomic context (GRCh38, chr5:14,749,249, plus strand): 5'-TGCCACCAAGGTCCCGGGAAACAAAGAGGTTGACAATAGGCCGACTGATTCTCTGTGTGG[C>T]CAGAATTAGAGCCAAAGGCCACCAGAAGCTCAGCATCTTTCTTATTGTTGCATCTCCCTG-3'
Protein context (NP_473368.1, residues 239-259): SFWWPLALIL[Ala249Thr]TQRISRPIVN

ClinVar aggregate classification (germline): Uncertain significance (1 of 4 stars; one submission).

Submission:

Labcorp Genetics (formerly Invitae), Labcorp
Classification: Uncertain significance. Last evaluated: 2023-10-15. Review status: criteria provided, single submitter. Criteria: Invitae Variant Classification Sherloc (09022015). Collection method: clinical testing. Allele origin: germline.
Comment: This sequence change replaces alanine, which is neutral and non-polar, with threonine, which is neutral and polar, at codon 249 of the ANKH protein (p.Ala249Thr). This variant is not present in population databases (gnomAD no frequency). This variant has not been reported in the literature in individuals affected with ANKH-related conditions. Advanced modeling of protein sequence and biophysical properties (such as structural, functional, and spatial information, amino acid conservation, physicochemical variation, residue mobility, and thermodynamic stability) performed at Invitae indicates that this missense variant is not expected to disrupt ANKH protein function. In summary, the available evidence is currently insufficient to determine the role of this variant in disease. Therefore, it has been classified as a Variant of Uncertain Significance.